The following is an entry in ClinVar:

NM_000540.3(RYR1):c.4727C>T (p.Ala1576Val)

Gene: RYR1 (ryanodine receptor 1; plus strand). Cytogenetic location: 19q13.2.
Variant type: single nucleotide variant.
Coding change: c.4727C>T on transcript NM_000540.3 (MANE Select); coding-DNA position 4727, C replaced by T.
Protein change: p.Ala1576Val; replaces alanine 1576 with valine.
Molecular consequence: missense variant.
Genome position (GRCh38, 1-based): chr19:38,483,309, C>T. VCF-style: chr19-38483309-C-T. GRCh37 (hg19) VCF-style: chr19-38973949-C-T.
Other names: c.4727C>T, p.Ala1576Val (NM_001042723.2); short protein forms A1576V.
Identifiers: ClinVar variation 3070318 (VCV003070318.1), dbSNP rs1216589090, ClinGen allele CA081621.
Genomic context (GRCh38, chr19:38,483,309, plus strand): 5'-GGGCTGGCCATCTTGACCCATGTGTGTCTCTCTGCCCTCAGAACATCATGCCGTTGTCAG[C>T]CGCCATGTTCCAAAGCGAGCGCAAGAACCCGGCCCCGCAGTGCCCACCGCGGCTGGAGAT-3'
Protein context (NP_000531.2, residues 1566-1586): GKQKNIMPLS[Ala1576Val]AMFQSERKNP

ClinVar aggregate classification (germline): Uncertain significance (1 of 4 stars; one submission).

Conditions:
Malignant hyperthermia, susceptibility to, 1 (MHS1). Also called: RYR1-Related Malignant Hyperthermia Susceptibility; Anesthesia related hyperthermia; Malignant hyperpyrexia; Fulminating hyperpyrexia; Pharmacogenic myopathy; Malignant hyperthermia suceptibility 1. Identifiers: Orphanet 423, MedGen C2930980, MONDO:0007783, OMIM 145600.

Submission:

All of Us Research Program, National Institutes of Health
Classification: Uncertain significance for Malignant hyperthermia, susceptibility to, 1. Last evaluated: 2023-04-03. Review status: criteria provided, single submitter. Criteria: ACMG Guidelines, 2015. Collection method: clinical testing. Allele origin: germline. Inheritance: Autosomal dominant inheritance. Observed: 1 variant allele, 1 heterozygote.
Comment: This missense variant replaces alanine with valine at codon 1576 of the RYR1 protein. Computational prediction suggests that this variant may have deleterious impact on protein structure and function (internally defined REVEL score threshold >= 0.7, PMID: 27666373). To our knowledge, functional studies have not been reported for this variant. This variant has not been reported in individuals affected with RYR1-related disorders in the literature. This variant has not been identified in the general population by the Genome Aggregation Database (gnomAD). The available evidence is insufficient to determine the role of this variant in disease conclusively. Therefore, this variant is classified as a Variant of Uncertain Significance.

This study involves interpretation of variants in research participants for the purpose of population health screening. Participant phenotype was not available at the time of variant classification. Additional details can be found in publication PMID: 35346344, PMCID: PMC8962531